The following is an entry in ClinVar:

ClinVar aggregate classification (germline): Uncertain significance (1 of 4 stars; one submission).

Conditions:
Noonan syndrome 9 (NS9). Identifiers: Orphanet 648, MedGen C4225282, MONDO:0014691, OMIM 616559.

gnomAD v4.1: 3 of 1,571,122 alleles (0.00019%); highest among the groups gnomAD compares: Non-Finnish European, 0.00026%; no homozygotes.

Submission:

Labcorp Genetics (formerly Invitae), Labcorp
Classification: Uncertain significance for Noonan syndrome 9. Last evaluated: 2024-04-15. Review status: criteria provided, single submitter. Criteria: Invitae Variant Classification Sherloc (09022015). Collection method: clinical testing. Allele origin: germline.
Comment: This sequence change replaces arginine, which is basic and polar, with tryptophan, which is neutral and slightly polar, at codon 645 of the SOS2 protein (p.Arg645Trp). This variant is not present in population databases (gnomAD no frequency). This variant has not been reported in the literature in individuals affected with SOS2-related conditions. An algorithm developed to predict the effect of missense changes on protein structure and function (PolyPhen-2) suggests that this variant is likely to be disruptive. In summary, the available evidence is currently insufficient to determine the role of this variant in disease. Therefore, it has been classified as a Variant of Uncertain Significance.

NM_006939.4(SOS2):c.1933C>T (p.Arg645Trp)

Gene: SOS2 (SOS Ras/Rho guanine nucleotide exchange factor 2; minus strand). Cytogenetic location: 14q21.3.
Variant type: single nucleotide variant.
Coding change: c.1933C>T on transcript NM_006939.4 (MANE Select); coding-DNA position 1933, C replaced by T.
Protein change: p.Arg645Trp; replaces arginine 645 with tryptophan.
Molecular consequence: missense variant.
Genome position (GRCh38, 1-based): chr14:50,158,566, G>A on the plus strand (C>T on the coding strand, the complement: SOS2 is on the minus strand). VCF-style: chr14-50158566-G-A. GRCh37 (hg19) VCF-style: chr14-50625284-G-A.
Other names: c.1834C>T, p.Arg612Trp (NM_001411020.1); short protein forms R645W, R612W.
Identifiers: ClinVar variation 3649998 (VCV003649998.2).